The following is an entry in ClinVar:

ClinVar aggregate classification (germline): Uncertain significance (1 of 4 stars; one submission).

Conditions:
Hereditary cancer-predisposing syndrome. Also called: Tumor predisposition; Hereditary Cancer Syndrome; Hereditary neoplastic syndrome; Neoplastic Syndromes, Hereditary. Identifiers: Orphanet 140162, MedGen C0027672, MeSH D009386, MONDO:0015356.

Submission:

Ambry Genetics
Classification: Uncertain significance for Hereditary cancer-predisposing syndrome. Last evaluated: 2024-03-28. Review status: criteria provided, single submitter. Criteria: Ambry Variant Classification Scheme 2023. Collection method: clinical testing. Allele origin: germline.
Comment: The c.2435+2dupT intronic variant, results from a duplication of two nucleotides at nucleotide position 2435 after intron 17 of the MSH3 gene. This nucleotide position is highly conserved in available vertebrate species. In silico splice site analysis predicts that this alteration will weaken the native splice donor site. Based on the available evidence, the clinical significance of this alteration remains unclear.

NM_002439.5(MSH3):c.2435+2dup

Gene: MSH3 (mutS homolog 3; plus strand). Cytogenetic location: 5q14.1.
Variant type: Duplication.
Coding change: c.2435+2dup on transcript NM_002439.5 (MANE Select); the canonical splice donor site of the intron after coding-DNA position 2435, one base duplicated (T; older notation c.2435+2dupT).
Molecular consequence: splice donor variant.
Genome position (GRCh38, 1-based): chr5:80,778,838, T duplicated. VCF-style (leftmost placement, unchanged base first): chr5-80778837-G-GT. GRCh37 (hg19) VCF-style: chr5-80074656-G-GT.
Identifiers: ClinVar variation 3296255 (VCV003296255.1).